The following is an entry in ClinVar:

ClinVar aggregate classification (germline): Uncertain significance. Review status: criteria provided, multiple submitters, no conflicts (2 of 4 stars). 2 submissions from 2 submitters: Uncertain significance (2). Last evaluated 2025-08-05.

Conditions:
Hereditary cancer-predisposing syndrome. Also called: Tumor predisposition; Hereditary neoplastic syndrome; Neoplastic Syndromes, Hereditary; Hereditary Cancer Syndrome. Identifiers: Orphanet 140162, MedGen C0027672, MeSH D009386, MONDO:0015356.
Hereditary nonpolyposis colorectal neoplasms. Identifiers: MedGen C0009405, MeSH D003123.

Allele frequency attached by ClinVar (database versions not stated): gnomAD exomes below 0.00001.
gnomAD v4.1: 1 of 1,614,202 alleles (0.000062%); highest among the groups gnomAD compares: Non-Finnish European, 0.000085%; no homozygotes.

Submissions (2):

Ambry Genetics
Classification: Uncertain significance for Hereditary cancer-predisposing syndrome. Last evaluated: 2025-08-05. Review status: criteria provided, single submitter. Criteria: Ambry Variant Classification Scheme 2023. Collection method: clinical testing. Allele origin: germline.
Comment: The p.Y524S variant (also known as c.1571A>C), located in coding exon 4 of the MSH6 gene, results from an A to C substitution at nucleotide position 1571. The tyrosine at codon 524 is replaced by serine, an amino acid with dissimilar properties. This amino acid position is highly conserved in available vertebrate species. In addition, this alteration is predicted to be deleterious by in silico analysis. Based on the available evidence, the clinical significance of this variant remains unclear.

Labcorp Genetics (formerly Invitae), Labcorp
Classification: Uncertain significance for Hereditary nonpolyposis colorectal neoplasms. Last evaluated: 2024-04-29. Review status: criteria provided, single submitter. Criteria: Invitae Variant Classification Sherloc (09022015). Collection method: clinical testing. Allele origin: germline.
Comment: This sequence change replaces tyrosine, which is neutral and polar, with serine, which is neutral and polar, at codon 524 of the MSH6 protein (p.Tyr524Ser). This variant is not present in population databases (gnomAD no frequency). This variant has not been reported in the literature in individuals affected with MSH6-related conditions. ClinVar contains an entry for this variant (Variation ID: 857544). Advanced modeling of protein sequence and biophysical properties (such as structural, functional, and spatial information, amino acid conservation, physicochemical variation, residue mobility, and thermodynamic stability) has been performed at Invitae for this missense variant, however the output from this modeling did not meet the statistical confidence thresholds required to predict the impact of this variant on MSH6 protein function. In summary, the available evidence is currently insufficient to determine the role of this variant in disease. Therefore, it has been classified as a Variant of Uncertain Significance.

NM_000179.3(MSH6):c.1571A>C (p.Tyr524Ser)

Gene: MSH6 (mutS homolog 6; plus strand). Cytogenetic location: 2p16.3.
Variant type: single nucleotide variant.
Coding change: c.1571A>C on transcript NM_000179.3 (MANE Select); coding-DNA position 1571, A replaced by C.
Protein change: p.Tyr524Ser; replaces tyrosine 524 with serine.
Molecular consequence: missense variant.
Genome position (GRCh38, 1-based): chr2:47,799,554, A>C. VCF-style: chr2-47799554-A-C. GRCh37 (hg19) VCF-style: chr2-48026693-A-C.
Other names: c.1181A>C, p.Tyr394Ser (NM_001281492.2); c.665A>C, p.Tyr222Ser (NM_001281493.2, NM_001281494.2); short protein forms Y394S, Y524S, Y222S.
Identifiers: ClinVar variation 857544 (VCV000857544.13), dbSNP rs1669346323, ClinGen allele CA346746792.